The following is an entry in ClinVar:

NM_000313.4(PROS1):c.728-1G>T

Gene: PROS1 (protein S; minus strand). Cytogenetic location: 3q11.1.
Variant type: single nucleotide variant.
Coding change: c.728-1G>T on transcript NM_000313.4 (MANE Select); the canonical splice acceptor site of the intron before coding-DNA position 728, G replaced by T.
Molecular consequence: splice acceptor variant.
Genome position (GRCh38, 1-based): chr3:93,898,570, C>A on the plus strand (G>T on the coding strand, the complement: PROS1 is on the minus strand). VCF-style: chr3-93898570-C-A. GRCh37 (hg19) VCF-style: chr3-93617414-C-A.
Other names: c.824-1G>T (NM_001314077.2).
Identifiers: ClinVar variation 2030527 (VCV002030527.5), dbSNP rs368074804, ClinGen allele CA2503369.

ClinVar aggregate classification (germline): Likely pathogenic (1 of 4 stars; one submission).

Conditions:
Thrombophilia due to protein S deficiency, autosomal recessive (THPH6). Identifiers: Orphanet 743, MedGen C3281092, MONDO:0013791, OMIM 614514. Disease mechanism: loss of function.

Allele frequency attached by ClinVar (database versions not stated): gnomAD exomes below 0.00001.
gnomAD v4.1: 1 of 1,611,962 alleles (0.000062%); highest among the groups gnomAD compares: South Asian, 0.0011%; no homozygotes.

Submissions (2):

Labcorp Genetics (formerly Invitae), Labcorp
Classification: Likely pathogenic for Thrombophilia due to protein S deficiency, autosomal recessive. Last evaluated: 2022-09-14. Review status: criteria provided, single submitter. Criteria: Invitae Variant Classification Sherloc (09022015). Collection method: clinical testing. Allele origin: germline.
Comment: In summary, the currently available evidence indicates that the variant is pathogenic, but additional data are needed to prove that conclusively. Therefore, this variant has been classified as Likely Pathogenic. Algorithms developed to predict the effect of sequence changes on RNA splicing suggest that this variant may disrupt the consensus splice site. This variant has not been reported in the literature in individuals affected with PROS1-related conditions. This variant is present in population databases (rs368074804, gnomAD 0.003%). This sequence change affects an acceptor splice site in intron 7 of the PROS1 gene. It is expected to disrupt RNA splicing. Variants that disrupt the donor or acceptor splice site typically lead to a loss of protein function (PMID: 16199547), and loss-of-function variants in PROS1 are known to be pathogenic (PMID: 9241758).

Dr. Peter K. Rogan Lab, Western University
No classification provided (evidence only). Condition: Lung cancer. Review status: no classification provided. Collection method: in vitro. Allele origin: not applicable. Functional consequence: cryptic splice site, retained intron. Not counted in ClinVar's aggregate classification.

Literature cited by the submitters: PubMed 16199547 (cited by Labcorp Genetics (formerly Invitae), Labcorp); PubMed 9241758 (cited by Labcorp Genetics (formerly Invitae), Labcorp).